The following is an entry in ClinVar:

ClinVar aggregate classification (germline): Uncertain significance (1 of 4 stars; one submission).

Conditions:
Congenital glucose-galactose malabsorption (GGM). Also called: MONOSACCHARIDE MALABSORPTION; DIARRHEA 16. Identifiers: Orphanet 35710, MedGen C0268186, MONDO:0011731, OMIM 606824.

Submission:

Labcorp Genetics (formerly Invitae), Labcorp
Classification: Uncertain significance for Congenital glucose-galactose malabsorption. Last evaluated: 2022-01-27. Review status: criteria provided, single submitter. Criteria: Invitae Variant Classification Sherloc (09022015). Collection method: clinical testing. Allele origin: germline.
Comment: This variant results in a copy number gain of the genomic region encompassing exon(s) 1-5 of the SLC5A1 gene. This region includes the initiator codon of the gene. This copy number gain extends beyond the assayed region for this gene and therefore may encompass additional genes. As the precise location of this event is unknown, it may be in tandem or it may be located elsewhere in the genome. This variant has not been reported in the literature in individuals affected with SLC5A1-related conditions. Experimental studies and prediction algorithms are not available or were not evaluated, and the functional significance of this variant is currently unknown. In summary, the available evidence is currently insufficient to determine the role of this variant in disease. Therefore, it has been classified as a Variant of Uncertain Significance.

NC_000022.10:g.(?_32439269)_(32464607_?)dup

Gene: SLC5A1 (solute carrier family 5 member 1; plus strand). Cytogenetic location: 22q12.3.
Variant type: Duplication.
Identifiers: ClinVar variation 1448271 (VCV001448271.4).